The following is an entry in ClinVar:

ClinVar aggregate classification (germline): Uncertain significance (1 of 4 stars; one submission).

Conditions:
Progressive myoclonic epilepsy type 5. Identifiers: Orphanet 402082, MedGen C5190799.

gnomAD v4.1: 2 of 1,613,996 alleles (0.00012%); highest among the groups gnomAD compares: African/African-American, 0.0013%; no homozygotes.

Submission:

Labcorp Genetics (formerly Invitae), Labcorp
Classification: Uncertain significance for Progressive myoclonic epilepsy type 5. Last evaluated: 2025-12-26. Review status: criteria provided, single submitter. Criteria: Invitae Variant Classification Sherloc (09022015). Collection method: clinical testing. Allele origin: germline.
Comment: This sequence change replaces glycine, which is neutral and non-polar, with valine, which is neutral and non-polar, at codon 651 of the PRICKLE2 protein (p.Gly651Val). This variant is not present in population databases (gnomAD no frequency). This variant has not been reported in the literature in individuals affected with PRICKLE2-related conditions. An algorithm developed to predict the effect of missense changes on protein structure and function (PolyPhen-2) suggests that this variant is likely to be tolerated. In summary, the available evidence is currently insufficient to determine the role of this variant in disease. Therefore, it has been classified as a Variant of Uncertain Significance.

NM_198859.4(PRICKLE2):c.1952G>T (p.Gly651Val)

Genes: PRICKLE2 (prickle planar cell polarity protein 2; minus strand), PRICKLE2-AS1 (PRICKLE2 antisense RNA 1; plus strand). Cytogenetic location: 3p14.1.
Variant type: single nucleotide variant.
Coding change: c.1952G>T on transcript NM_198859.4 (MANE Select); coding-DNA position 1952, G replaced by T.
Protein change: p.Gly651Val; replaces glycine 651 with valine.
Molecular consequence: missense variant. On other transcripts: non-coding transcript variant (1).
Genome position (GRCh38, 1-based): chr3:64,099,634, C>A on the plus strand (G>T on the coding strand, the complement: PRICKLE2 is on the minus strand). VCF-style: chr3-64099634-C-A. GRCh37 (hg19) VCF-style: chr3-64085310-C-A.
Other names: c.1952G>T, p.Gly651Val (NM_001370528.1); short protein forms G651V.
Identifiers: ClinVar variation 4696171 (VCV004696171.1).
Genomic context (GRCh38, chr3:64,099,634, plus strand): 5'-CTCCGGGTGCGTTCACTCATGGGCTGGATCCTCACGCCCTCCTGCCCTGGCAGCTTGCTG[C>A]CCGCCATCCCTCCATCAAAATCAAAGCTCTGATGCATCCTTCCGTGGGACTGCAGGTCTC-3'
Protein context (NP_942559.1, residues 641-661): QSFDFDGGMA[Gly651Val]SKLPGQEGVR